The following is an entry in ClinVar:

NM_001330288.2(SMARCC2):c.1485_1486del (p.Ala496fs)

Gene: SMARCC2 (SWI/SNF related BAF chromatin remodeling complex subunit C2; minus strand). Cytogenetic location: 12q13.2.
Variant type: Microsatellite.
Coding change: c.1485_1486del on transcript NM_001330288.2 (MANE Select); coding-DNA positions 1485 to 1486, 2 bases deleted (TG; older notation c.1485_1486delTG).
Protein change: p.Ala496fs; shifts the reading frame from alanine 496.
Molecular consequence: frameshift variant.
Genome position (GRCh38, 1-based): chr12:56,174,661-56,174,662, CA deleted on the plus strand (TG on the coding strand, the reverse complement: SMARCC2 is on the minus strand); deleting any 2 consecutive bases within chr12:56,174,661-56,174,664 gives the same sequence; the c. name uses the placement nearest the transcript's 3' end. VCF-style (leftmost placement, unchanged base first): chr12-56174660-GCA-G. GRCh37 (hg19) VCF-style: chr12-56568444-GCA-G.
Other names: c.1485_1486del, p.Ala496fs (NM_001130420.3, NM_003075.5, NM_139067.4); short protein forms A496fs.
Identifiers: ClinVar variation 2504195 (VCV002504195.1), dbSNP rs2540900784, ClinGen allele CA2580616801.

ClinVar aggregate classification (germline): Pathogenic (1 of 4 stars; one submission).

Submission:

GeneDx
Classification: Pathogenic. Last evaluated: 2022-12-01. Review status: criteria provided, single submitter. Criteria: GeneDx Variant Classification Process June 2021. Collection method: clinical testing. Allele origin: germline. Affected: yes.
Comment: Identified as a de novo confirmed variant in an individual with schizophrenia, however this individual also habored de novo confirmed variants in two other genes (Howrigan et al., 2020); Frameshift variant predicted to result in protein truncation or nonsense mediated decay in a gene for which loss of function is a known mechanism of disease; Not observed at significant frequency in large population cohorts (gnomAD); This variant is associated with the following publications: (PMID: 31932770)